The following is an entry in ClinVar:

ClinVar aggregate classification (germline): Uncertain significance (1 of 4 stars; one submission).

Submission:

GeneDx
Classification: Uncertain significance. Last evaluated: 2021-06-26. Review status: criteria provided, single submitter. Criteria: GeneDx Variant Classification Process June 2021. Collection method: clinical testing. Allele origin: germline. Affected: yes.
Comment: Not observed at significant frequency in large population cohorts (Lek et al., 2016); Canonical splice site variant in a gene for which loss-of-function is not a known mechanism of disease; Has not been previously published as pathogenic or benign to our knowledge; This variant is associated with the following publications: (PMID: 27535533)

NM_006267.5(RANBP2):c.637-2A>G

Gene: RANBP2 (RAN binding protein 2; plus strand). Cytogenetic location: 2q13.
Variant type: single nucleotide variant.
Coding change: c.637-2A>G on transcript NM_006267.5 (MANE Select); the canonical splice acceptor site of the intron before coding-DNA position 637, A replaced by G.
Molecular consequence: splice acceptor variant.
Genome position (GRCh38, 1-based): chr2:108,736,102, A>G. VCF-style: chr2-108736102-A-G. GRCh37 (hg19) VCF-style: chr2-109352558-A-G.
Other names: c.637-2A>G (NM_001415871.1, NM_001415873.1); c.634-2A>G (NM_001415872.1).
Identifiers: ClinVar variation 1205567 (VCV001205567.3), dbSNP rs2149130759, ClinGen allele CA348041285.